The following is an entry in ClinVar:

NM_001127208.3(TET2):c.59C>T (p.Pro20Leu)

Genes: TET2 (tet methylcytosine dioxygenase 2; plus strand), TET2-AS1 (TET2 antisense RNA 1; minus strand). Cytogenetic location: 4q24.
Variant type: single nucleotide variant.
Coding change: c.59C>T on transcript NM_001127208.3 (MANE Select); coding-DNA position 59, C replaced by T.
Protein change: p.Pro20Leu; replaces proline 20 with leucine.
Molecular consequence: missense variant.
Genome position (GRCh38, 1-based): chr4:105,234,001, C>T. VCF-style: chr4-105234001-C-T. GRCh37 (hg19) VCF-style: chr4-106155158-C-T.
Other names: c.59C>T, p.Pro20Leu (NM_017628.4); short protein forms P20L.
Identifiers: ClinVar variation 3967608 (VCV003967608.1).

ClinVar aggregate classification (germline): Uncertain significance (1 of 4 stars; one submission).

gnomAD v4.1: 2 of 1,614,050 alleles (0.00012%); highest among the groups gnomAD compares: South Asian, 0.0011%; no homozygotes.

Submission:

Ambry Genetics
Classification: Uncertain significance. Last evaluated: 2025-05-02. Review status: criteria provided, single submitter. Criteria: Ambry Variant Classification Scheme 2023. Collection method: clinical testing. Allele origin: germline.
Comment: The p.P20L variant (also known as c.59C>T), located in coding exon 1 of the TET2 gene, results from a C to T substitution at nucleotide position 59. The proline at codon 20 is replaced by leucine, an amino acid with similar properties. This amino acid position is conserved. In addition, this alteration is predicted to be tolerated by in silico analysis. Based on the available evidence, the clinical significance of this variant remains unclear.